The following is an entry in ClinVar:

ClinVar aggregate classification (germline): Uncertain significance. Review status: criteria provided, multiple submitters, no conflicts (2 of 4 stars). 3 submissions from 3 submitters: Uncertain significance (3). Last evaluated 2024-07-09.

Conditions:
Intellectual developmental disorder, autosomal dominant 1. Also called: Intellectual disability, autosomal dominant 1; MBD5 Haploinsufficiency. Identifiers: Orphanet 228402, MedGen C1969562, MONDO:0007974, OMIM 156200.

Allele frequency attached by ClinVar (database versions not stated): gnomAD exomes below 0.00001.
gnomAD v4.1: 2 of 1,612,944 alleles (0.00012%); highest among the groups gnomAD compares: African/African-American, 0.0013%; no homozygotes.

Submissions (3):

Greenwood Genetic Center Diagnostic Laboratories, Greenwood Genetic Center
Classification: Uncertain significance. Last evaluated: 2024-07-09. Review status: criteria provided, single submitter. Criteria: ACMG Guidelines, 2015. Collection method: clinical testing. Allele origin: germline. Affected: yes.
Comment: PM4

Labcorp Genetics (formerly Invitae), Labcorp
Classification: Uncertain significance for Intellectual developmental disorder, autosomal dominant 1. Last evaluated: 2022-08-31. Review status: criteria provided, single submitter. Criteria: Invitae Variant Classification Sherloc (09022015). Collection method: clinical testing. Allele origin: germline.
Comment: This sequence change disrupts the translational stop signal of the MBD5 mRNA. It is expected to extend the length of the MBD5 protein by 6 additional amino acid residues. In summary, the available evidence is currently insufficient to determine the role of this variant in disease. Therefore, it has been classified as a Variant of Uncertain Significance. Experimental studies and prediction algorithms are not available or were not evaluated, and the functional significance of this variant is currently unknown. This variant has not been reported in the literature in individuals affected with MBD5-related conditions. This variant is not present in population databases (gnomAD no frequency).

GeneDx
Classification: Uncertain significance. Last evaluated: 2022-03-21. Review status: criteria provided, single submitter. Criteria: GeneDx Variant Classification Process June 2021. Collection method: clinical testing. Allele origin: germline. Affected: yes.
Comment: Not observed at significant frequency in large population cohorts (gnomAD); Normal stop codon changed to a Lys codon, leading to the addition of 6 amino acids at the C-terminus; Has not been previously published as pathogenic or benign to our knowledge

NM_001378120.1(MBD5):c.5182T>A (p.Ter1728Lys)

Gene: MBD5 (methyl-CpG binding domain protein 5; plus strand). Cytogenetic location: 2q23.1.
Variant type: single nucleotide variant.
Coding change: c.5182T>A on transcript NM_001378120.1 (MANE Select); coding-DNA position 5182, T replaced by A.
Protein change: p.Ter1728Lys.
Molecular consequence: stop lost.
Genome position (GRCh38, 1-based): chr2:148,512,939, T>A. VCF-style: chr2-148512939-T-A. GRCh37 (hg19) VCF-style: chr2-149270508-T-A.
Other names: c.4483T>A, p.Ter1495Lys (NM_018328.5).
Identifiers: ClinVar variation 1706809 (VCV001706809.8), dbSNP rs1574509629, ClinGen allele CA348859484.